The following is an entry in ClinVar:

ClinVar aggregate classification (germline): Uncertain significance (1 of 4 stars; one submission).

Conditions:
Cernunnos-XLF deficiency (IMD124). Also called: Severe combined immunodeficiency with sensitivity to ionizing radiation due to NHEJ1 deficiency; SCID, autosomal recessive, T cell-negative, B cell-negative, NK cell-positive, and sensitivity to ionizing radiation due to NHEJ1 deficiency; IMMUNODEFICIENCY 124, SEVERE COMBINED; SCID, AUTOSOMAL RECESSIVE, T CELL-NEGATIVE, B CELL-NEGATIVE, NK CELL-POSITIVE, WITH MICROCEPHALY, GROWTH RETARDATION, AND SENSITIVITY TO IONIZING RADIATION; NHEJ1 SYNDROME. Identifiers: Orphanet 169079, MedGen C1969799, MONDO:0012650, OMIM 611291.

Allele frequency attached by ClinVar (database versions not stated): gnomAD exomes 0.00001.
gnomAD v4.1: 12 of 1,614,156 alleles (0.00074%); highest among the groups gnomAD compares: Non-Finnish European, 0.001%; no homozygotes.

Submission:

Labcorp Genetics (formerly Invitae), Labcorp
Classification: Uncertain significance for Cernunnos-XLF deficiency. Last evaluated: 2023-07-17. Review status: criteria provided, single submitter. Criteria: Invitae Variant Classification Sherloc (09022015). Collection method: clinical testing. Allele origin: germline.
Comment: In summary, the available evidence is currently insufficient to determine the role of this variant in disease. Therefore, it has been classified as a Variant of Uncertain Significance. Advanced modeling of protein sequence and biophysical properties (such as structural, functional, and spatial information, amino acid conservation, physicochemical variation, residue mobility, and thermodynamic stability) performed at Invitae indicates that this missense variant is not expected to disrupt NHEJ1 protein function. ClinVar contains an entry for this variant (Variation ID: 1518417). This variant has not been reported in the literature in individuals affected with NHEJ1-related conditions. This variant is not present in population databases (gnomAD no frequency). This sequence change replaces asparagine, which is neutral and polar, with serine, which is neutral and polar, at codon 213 of the NHEJ1 protein (p.Asn213Ser).

NM_024782.3(NHEJ1):c.638A>G (p.Asn213Ser)

Gene: NHEJ1 (non-homologous end joining factor 1; minus strand). Cytogenetic location: 2q35.
Variant type: single nucleotide variant.
Coding change: c.638A>G on transcript NM_024782.3 (MANE Select); coding-DNA position 638, A replaced by G.
Protein change: p.Asn213Ser; replaces asparagine 213 with serine.
Molecular consequence: missense variant. On other transcripts: non-coding transcript variant (1).
Genome position (GRCh38, 1-based): chr2:219,078,157, T>C on the plus strand (A>G on the coding strand, the complement: NHEJ1 is on the minus strand). VCF-style: chr2-219078157-T-C. GRCh37 (hg19) VCF-style: chr2-219942879-T-C.
Other names: c.638A>G, p.Asn213Ser (NM_001377498.1, NM_001377499.1); short protein forms N213S.
Identifiers: ClinVar variation 1518417 (VCV001518417.9), dbSNP rs2106320135, ClinGen allele CA350642594.